The following is an entry in ClinVar:

NM_001205293.3(CACNA1E):c.3991G>A (p.Gly1331Ser)

Gene: CACNA1E (calcium voltage-gated channel subunit alpha1 E; plus strand). Cytogenetic location: 1q25.3.
Variant type: single nucleotide variant.
Coding change: c.3991G>A on transcript NM_001205293.3 (MANE Select); coding-DNA position 3991, G replaced by A.
Protein change: p.Gly1331Ser; replaces glycine 1331 with serine.
Molecular consequence: missense variant.
Genome position (GRCh38, 1-based): chr1:181,755,957, G>A. VCF-style: chr1-181755957-G-A. GRCh37 (hg19) VCF-style: chr1-181725093-G-A.
Other names: c.3991G>A, p.Gly1331Ser (NM_000721.4); c.3934G>A, p.Gly1312Ser (NM_001205294.2); short protein forms G1312S, G1331S.
Identifiers: ClinVar variation 5020303 (VCV005020303.1).
Genomic context (GRCh38, chr1:181,755,957, plus strand): 5'-CTCTTCTGTAGAATGAGCTATAGTGAGGAGGCTCTCTTTCATTTCTGCTCTGGTTTTAGA[G>A]GCAACTATGTAGATCATGAGAAAAACAAGATGGAGGTGAAGGGCCGGGAATGGAAGCGCC-3'
Protein context (NP_001192222.1, residues 1321-1341): SSKDTEKECI[Gly1331Ser]NYVDHEKNKM

ClinVar aggregate classification (germline): Uncertain significance (1 of 4 stars; one submission).

Submission:

Dasa
Classification: Uncertain significance. Last evaluated: 2026-06-25. Review status: criteria provided, single submitter. Criteria: DASA Assertion Criteria. Collection method: clinical testing. Allele origin: germline.
Comment: NM_001205293.3(CACNA1E):c.3991G>A (p.Gly1331Ser) is a missense variant that results in the substitution of glycine with serine. This variant is absent from population databases. Computational prediction algorithms are consistent with a deleterious effect. The currently available literature and clinical evidence are not sufficient to establish a definitive association between this variant and the reported condition. Therefore, this variant is classified as a variant of uncertain significance.